The following is an entry in ClinVar:

ClinVar aggregate classification (germline): Uncertain significance (1 of 4 stars; one submission).

Conditions:
Diamond-Blackfan anemia. Also called: Aase syndrome; Blackfan Diamond syndrome; Aregenerative anemia chronic congenital; Red cell aplasia, pure hereditary; Congenital hypoplastic anemia. Identifiers: Orphanet 124, MedGen C1260899, MeSH D029503, MONDO:0015253, HP:0004810.

Submission:

Labcorp Genetics (formerly Invitae), Labcorp
Classification: Uncertain significance for Diamond-Blackfan anemia. Last evaluated: 2024-07-08. Review status: criteria provided, single submitter. Criteria: Invitae Variant Classification Sherloc (09022015). Collection method: clinical testing. Allele origin: germline.
Comment: This sequence change replaces glutamic acid, which is acidic and polar, with glycine, which is neutral and non-polar, at codon 120 of the RPL26 protein (p.Glu120Gly). This variant is not present in population databases (gnomAD no frequency). This variant has not been reported in the literature in individuals affected with RPL26-related conditions. ClinVar contains an entry for this variant (Variation ID: 1024358). An algorithm developed to predict the effect of missense changes on protein structure and function (PolyPhen-2) suggests that this variant is likely to be tolerated. In summary, the available evidence is currently insufficient to determine the role of this variant in disease. Therefore, it has been classified as a Variant of Uncertain Significance.

NM_000987.5(RPL26):c.359A>G (p.Glu120Gly)

Gene: RPL26 (ribosomal protein L26; minus strand). Cytogenetic location: 17p13.1.
Variant type: single nucleotide variant.
Coding change: c.359A>G on transcript NM_000987.5 (MANE Select); coding-DNA position 359, A replaced by G.
Protein change: p.Glu120Gly; replaces glutamic acid 120 with glycine.
Molecular consequence: missense variant.
Genome position (GRCh38, 1-based): chr17:8,377,643, T>C on the plus strand (A>G on the coding strand, the complement: RPL26 is on the minus strand). VCF-style: chr17-8377643-T-C. GRCh37 (hg19) VCF-style: chr17-8280961-T-C.
Other names: c.359A>G, p.Glu120Gly (NM_001315530.2, NM_001315531.2); short protein forms E120G.
Identifiers: ClinVar variation 1024358 (VCV001024358.9), dbSNP rs1907207139, ClinGen allele CA398012690.
Genomic context (GRCh38, chr17:8,377,643, plus strand): 5'-ATGGTTTCTTCCTTGTATTTGCCCTTTTCCTTTCCTACTTGGCGAGATTTGGCTTTCCGT[T>C]CGAGGATCTTTTTGCGGTCTTTGTCCAGTTTTAGCCTAGTGATAACCACCTGCAGAAAAA-3'
Protein context (NP_000978.1, residues 110-130): KLDKDRKKIL[Glu120Gly]RKAKSRQVGK